The following is an entry in ClinVar:

ClinVar aggregate classification (germline): Pathogenic (1 of 4 stars; one submission).

Submission:

CeGaT Center for Human Genetics Tuebingen
Classification: Pathogenic. Last evaluated: 2025-12-01. Review status: criteria provided, single submitter. Criteria: CeGaT Center For Human Genetics Tuebingen Variant Classification Criteria Version 2. Collection method: clinical testing. Allele origin: germline. Affected: yes. Observed: 3 variant alleles.
Comment: SDR9C7: PVS1, PM2, PM3:Supporting

NM_148897.3(SDR9C7):c.560+1G>A

Gene: SDR9C7 (short chain dehydrogenase/reductase family 9C member 7; minus strand). Cytogenetic location: 12q13.3.
Variant type: single nucleotide variant.
Coding change: c.560+1G>A on transcript NM_148897.3 (MANE Select); the canonical splice donor site of the intron after coding-DNA position 560, G replaced by A.
Molecular consequence: splice donor variant.
Genome position (GRCh38, 1-based): chr12:56,930,225, C>T on the plus strand (G>A on the coding strand, the complement: SDR9C7 is on the minus strand). VCF-style: chr12-56930225-C-T. GRCh37 (hg19) VCF-style: chr12-57324009-C-T.
Identifiers: ClinVar variation 4281535 (VCV004281535.7).